The following is an entry in ClinVar:

NM_000492.4(CFTR):c.1732C>G (p.Leu578Val)

Gene: CFTR (CF transmembrane conductance regulator; plus strand). Cytogenetic location: 7q31.2.
Variant type: single nucleotide variant.
Coding change: c.1732C>G on transcript NM_000492.4 (MANE Select); coding-DNA position 1732, C replaced by G.
Protein change: p.Leu578Val; replaces leucine 578 with valine.
Molecular consequence: missense variant.
Genome position (GRCh38, 1-based): chr7:117,590,405, C>G. VCF-style: chr7-117590405-C-G. GRCh37 (hg19) VCF-style: chr7-117230459-C-G.
Other names: p.Leu578Val; short protein forms L578V.
Identifiers: ClinVar variation 970265 (VCV000970265.6), dbSNP rs979121392, ClinGen allele CA164946410.

ClinVar aggregate classification (germline): Uncertain significance. Review status: criteria provided, multiple submitters, no conflicts (2 of 4 stars). 4 submissions from 4 submitters: Uncertain significance (3). 1 of the submissions does not count toward it. Last evaluated 2024-05-07.

Conditions:
CFTR-related disorder (CFTR-RD). Also called: CFTR-related disorders; CFTR-related condition. Identifiers: MedGen C5924204, MONDO:7770004.
Cystic fibrosis (CF). Also called: MUCOVISCIDOSIS. Identifiers: Orphanet 586, MedGen C0010674, MONDO:0009061, OMIM 219700. Disease mechanism: loss of function.

Allele frequency attached by ClinVar (database versions not stated): gnomAD 0.00001; TOPMed 0.00001.
gnomAD v4.1: 3 of 1,602,788 alleles (0.00019%); highest among the groups gnomAD compares: African/African-American, 0.0013%; no homozygotes.

Submissions (4):

Mayo Clinic Laboratories, Mayo Clinic
Classification: Uncertain significance. Last evaluated: 2024-05-07. Review status: criteria provided, single submitter. Criteria: ACMG Guidelines, 2015. Collection method: clinical testing. Allele origin: germline. Observed: 1 variant allele.
Comment: PM2

Labcorp Genetics (formerly Invitae), Labcorp
Classification: Uncertain significance for Cystic fibrosis. Last evaluated: 2024-04-25. Review status: criteria provided, single submitter. Criteria: Invitae Variant Classification Sherloc (09022015). Collection method: clinical testing. Allele origin: germline.
Comment: This sequence change replaces leucine, which is neutral and non-polar, with valine, which is neutral and non-polar, at codon 578 of the CFTR protein (p.Leu578Val). This variant is not present in population databases (gnomAD no frequency). This variant has not been reported in the literature in individuals affected with CFTR-related conditions. ClinVar contains an entry for this variant (Variation ID: 970265). Advanced modeling of protein sequence and biophysical properties (such as structural, functional, and spatial information, amino acid conservation, physicochemical variation, residue mobility, and thermodynamic stability) performed at Invitae indicates that this missense variant is not expected to disrupt CFTR protein function with a negative predictive value of 80%. In summary, the available evidence is currently insufficient to determine the role of this variant in disease. Therefore, it has been classified as a Variant of Uncertain Significance.

PreventionGenetics, part of Exact Sciences
Classification: Uncertain significance for CFTR-related condition. Last evaluated: 2023-03-31. Review status: criteria provided, single submitter. Criteria: ACMG Guidelines, 2015. Collection method: clinical testing. Allele origin: germline.
Comment: The CFTR c.1732C>G variant is predicted to result in the amino acid substitution p.Leu578Val. To our knowledge, this variant has not been reported in the literature or in a large population database, indicating this variant is rare. Of note, another variant impacting the p.Leu578 amino acid was reported in the compound heterozygous state in an individual with Cystic Fibrosis [c.1733T>C (p.Leu578Pro), Shen et al. 2020. PubMed ID: 32761997]. However, at this time, the clinical significance of the p.Leu578Val variant is uncertain due to the absence of conclusive functional and genetic evidence.

Natera, Inc.
Classification: Uncertain significance for CFTR-related disorders. Last evaluated: 2018-05-24. Review status: no assertion criteria provided. Collection method: clinical testing. Allele origin: germline. Not counted in ClinVar's aggregate classification.